The following is an entry in ClinVar:

NM_014915.3(ANKRD26):c.564T>A (p.Ser188Arg)

Gene: ANKRD26 (ankyrin repeat domain containing 26; minus strand). Cytogenetic location: 10p12.1.
Variant type: single nucleotide variant.
Coding change: c.564T>A on transcript NM_014915.3 (MANE Select); coding-DNA position 564, T replaced by A.
Protein change: p.Ser188Arg; replaces serine 188 with arginine.
Molecular consequence: missense variant.
Genome position (GRCh38, 1-based): chr10:27,092,480, A>T on the plus strand (T>A on the coding strand, the complement: ANKRD26 is on the minus strand). VCF-style: chr10-27092480-A-T. GRCh37 (hg19) VCF-style: chr10-27381409-A-T.
Other names: c.564T>A, p.Ser188Arg (NM_001256053.2); short protein forms S188R.
Identifiers: ClinVar variation 3871342 (VCV003871342.1).

ClinVar aggregate classification (germline): Uncertain significance (1 of 4 stars; one submission).

Conditions:
Inborn genetic diseases. Identifiers: MedGen C0950123, MeSH D030342.

Submission:

Ambry Genetics
Classification: Uncertain significance for Inborn genetic diseases. Last evaluated: 2025-02-15. Review status: criteria provided, single submitter. Criteria: Ambry Variant Classification Scheme 2023. Collection method: clinical testing. Allele origin: germline.
Comment: The p.S188R variant (also known as c.564T>A), located in coding exon 4 of the ANKRD26 gene, results from a T to A substitution at nucleotide position 564. The serine at codon 188 is replaced by arginine, an amino acid with dissimilar properties. This amino acid position is conserved. In addition, this alteration is predicted to be tolerated by in silico analysis. Based on the available evidence, the clinical significance of this variant remains unclear.